The following is an entry in ClinVar:

NM_000214.3(JAG1):c.3339C>A (p.Asn1113Lys)

Gene: JAG1 (jagged canonical Notch ligand 1; minus strand). Cytogenetic location: 20p12.2.
Variant type: single nucleotide variant.
Coding change: c.3339C>A on transcript NM_000214.3 (MANE Select); coding-DNA position 3339, C replaced by A.
Protein change: p.Asn1113Lys; replaces asparagine 1113 with lysine.
Molecular consequence: missense variant.
Genome position (GRCh38, 1-based): chr20:10,639,816, G>T on the plus strand (C>A on the coding strand, the complement: JAG1 is on the minus strand). VCF-style: chr20-10639816-G-T. GRCh37 (hg19) VCF-style: chr20-10620464-G-T.
Other names: short protein forms N1113K.
Identifiers: ClinVar variation 4858547 (VCV004858547.1).
Genomic context (GRCh38, chr20:10,639,816, plus strand): 5'-CGTGTTGGCCCCATGTTTCTCAATGGGGTTTTTGATCTGGTTCAGCTGCTCCCGCACGTT[G>T]TTGGTGGTGTTGTCCTCAGAGGCTGAGTGTGTGTGGCTGCCCGGCTTCCGCCGCTTCCGC-3'
Protein context (NP_000205.1, residues 1103-1123): THSASEDNTT[Asn1113Lys]NVREQLNQIK

ClinVar aggregate classification (germline): Uncertain significance (1 of 4 stars; one submission).

Conditions:
Cardiovascular phenotype. Identifiers: MedGen CN230736.

Submission:

Ambry Genetics
Classification: Uncertain significance for Cardiovascular phenotype. Last evaluated: 2026-03-29. Review status: criteria provided, single submitter. Criteria: Ambry Variant Classification Scheme 2023. Collection method: clinical testing. Allele origin: germline.
Comment: The p.N1113K variant (also known as c.3339C>A), located in coding exon 26 of the JAG1 gene, results from a C to A substitution at nucleotide position 3339. The asparagine at codon 1113 is replaced by lysine, an amino acid with similar properties. This amino acid position is conserved. In addition, the in silico prediction for this alteration is inconclusive. Based on the available evidence, the clinical significance of this variant remains unclear.